The following is an entry in ClinVar:

NM_138694.4(PKHD1):c.731G>A (p.Trp244Ter)

Gene: PKHD1 (PKHD1 ciliary IPT domain containing fibrocystin/polyductin; minus strand). Cytogenetic location: 6p12.2.
Variant type: single nucleotide variant.
Coding change: c.731G>A on transcript NM_138694.4 (MANE Select); coding-DNA position 731, G replaced by A.
Protein change: p.Trp244Ter; replaces tryptophan 244 with a stop codon.
Molecular consequence: nonsense.
Genome position (GRCh38, 1-based): chr6:52,069,504, C>T on the plus strand (G>A on the coding strand, the complement: PKHD1 is on the minus strand). VCF-style: chr6-52069504-C-T. GRCh37 (hg19) VCF-style: chr6-51934302-C-T.
Other names: c.731G>A, p.Trp244Ter (NM_170724.3); short protein forms W244*.
Identifiers: ClinVar variation 813393 (VCV000813393.2), dbSNP rs1582085757, ClinGen allele CA364432004.
Genomic context (GRCh38, chr6:52,069,504, plus strand): 5'-AGGGGGATAGTACCTGAGTGTGTCTGGTATAGGAAAAGATCCTGTTTAGCACTGATCAGC[C>T]ATGCCTTCTTGTGGACCATTGACCTTCGAAAAAGACAAAGTTCTGTTTTGAATGAAAATA-3'

ClinVar aggregate classification (germline): Pathogenic. Review status: criteria provided, multiple submitters, no conflicts (2 of 4 stars). 2 submissions from 2 submitters: Pathogenic (2). Last evaluated 2024-05-08.

Conditions:
Polycystic kidney disease 4 (PKD4). Also called: Autosomal Recessive Polycystic Kidney Disease – PKHD1; POLYCYSTIC KIDNEY AND HEPATIC DISEASE 1; POLYCYSTIC KIDNEY DISEASE, INFANTILE, TYPE I; PKD3; POLYCYSTIC KIDNEY DISEASE 4 WITH OR WITHOUT POLYCYSTIC LIVER DISEASE. Identifiers: MedGen C4540575, MONDO:0033004, OMIM 263200.
Autosomal recessive polycystic kidney disease (ARPKD). Also called: AR polycystic kidney disease. Identifiers: Orphanet 731, Orphanet 8378, MedGen C0085548, MeSH D017044, MONDO:0009889.

Submissions (2):

Myriad Genetics, Inc.
Classification: Pathogenic for Polycystic kidney disease 4. Last evaluated: 2024-05-08. Review status: criteria provided, single submitter. Criteria: Myriad Autosomal Dominant, Autosomal Recessive and X-Linked Classification Criteria (2023). Collection method: clinical testing. Allele origin: unknown.
Comment: NM_138694.3(PKHD1):c.731G>A(W244*) is expected to be pathogenic in the context of autosomal recessive polycystic kidney disease, PKHD1-related. This variant is predicted to lead to an abnormal or absent protein product due to the creation of a premature termination codon in PKHD1, a gene where loss-of-function variants are known to be pathogenic. Please note: this variant was assessed in the context of healthy population screening.

Baylor Genetics
Classification: Pathogenic for Polycystic kidney disease 4. Review status: criteria provided, single submitter. Criteria: ACMG Guidelines, 2015. Collection method: clinical testing. Allele origin: germline.